The following is an entry in ClinVar:

ClinVar aggregate classification (germline): Uncertain significance. Review status: criteria provided, multiple submitters, no conflicts (2 of 4 stars). 2 submissions from 2 submitters: Uncertain significance (2). Last evaluated 2023-07-07.

Conditions:
Cardiomyopathy (CMYO). Also called: Cardiomyopathies. Identifiers: Orphanet 167848, MedGen C0878544, MONDO:0004994, HP:0001638. Inheritance: Various modes of inheritance.
Hypertrophic cardiomyopathy. Also called: HYPERTROPHIC MYOCARDIOPATHY. Identifiers: Orphanet 217569, MedGen C0007194, MeSH D002312, MONDO:0005045, HP:0001639.

Allele frequency attached by ClinVar (database versions not stated): gnomAD exomes below 0.00001.
gnomAD v4.1: 4 of 1,614,134 alleles (0.00025%); highest among the groups gnomAD compares: Non-Finnish European, 0.00034%; no homozygotes.

Submissions (2):

Labcorp Genetics (formerly Invitae), Labcorp
Classification: Uncertain significance for Hypertrophic cardiomyopathy. Last evaluated: 2023-07-07. Review status: criteria provided, single submitter. Criteria: Invitae Variant Classification Sherloc (09022015). Collection method: clinical testing. Allele origin: germline.
Comment: This variant has not been reported in the literature in individuals affected with MYH7-related conditions. This variant is not present in population databases (gnomAD no frequency). This sequence change affects an acceptor splice site in intron 23 of the MYH7 gene. It is expected to disrupt RNA splicing. Variants that disrupt the donor or acceptor splice site typically lead to a loss of protein function (PMID: 16199547), however the current clinical and genetic evidence is not sufficient to establish whether loss-of-function variants in MYH7 cause disease. In summary, the available evidence is currently insufficient to determine the role of this variant in disease. Therefore, it has been classified as a Variant of Uncertain Significance. Algorithms developed to predict the effect of sequence changes on RNA splicing suggest that this variant may disrupt the consensus splice site.

All of Us Research Program, National Institutes of Health
Classification: Uncertain significance for Cardiomyopathy. Last evaluated: 2023-04-03. Review status: criteria provided, single submitter. Criteria: ACMG Guidelines, 2015. Collection method: clinical testing. Allele origin: germline. Inheritance: Autosomal dominant inheritance. Observed: 2 variant alleles, 2 heterozygotes.
Comment: This variant causes an A to C nucleotide substitution at the -2 position of intron 23 of the MYH7 gene. Splice prediction tools suggest that this variant may disrupt RNA splicing. To our knowledge, functional studies have not been reported for this variant. This variant has not been reported in individuals affected with cardiovascular disorders in the literature. This variant has not been identified in the general population by the Genome Aggregation Database (gnomAD). The clinical relevance of loss-of-function MYH7 truncation variants in autosomal dominant cardiovascular disorders is not clearly established. The available evidence is insufficient to determine the role of this variant in disease conclusively. Therefore, this variant is classified as a Variant of Uncertain Significance.

This study involves interpretation of variants in research participants for the purpose of population health screening. Participant phenotype was not available at the time of variant classification. Additional details can be found in publication PMID: 35346344, PMCID: PMC8962531

Literature cited by the submitters: PubMed 16199547 (cited by Labcorp Genetics (formerly Invitae), Labcorp).

NM_000257.4(MYH7):c.2923-2A>C

Gene: MYH7 (myosin heavy chain 7; minus strand). Cytogenetic location: 14q11.2.
Variant type: single nucleotide variant.
Coding change: c.2923-2A>C on transcript NM_000257.4 (MANE Select); the canonical splice acceptor site of the intron before coding-DNA position 2923, A replaced by C.
Molecular consequence: splice acceptor variant.
Genome position (GRCh38, 1-based): chr14:23,423,725, T>G on the plus strand (A>C on the coding strand, the complement: MYH7 is on the minus strand). VCF-style: chr14-23423725-T-G. GRCh37 (hg19) VCF-style: chr14-23892934-T-G.
Other names: c.2923-2A>C (NM_001407004.1).
Identifiers: ClinVar variation 3013417 (VCV003013417.4), dbSNP rs2502278353, ClinGen allele CA389046542.